The following is an entry in ClinVar:

ClinVar aggregate classification (germline): Uncertain significance (1 of 4 stars; one submission).

Conditions:
L-2-hydroxyglutaric aciduria (L2HGA). Identifiers: Orphanet 79314, MedGen C1855995, MONDO:0009370, OMIM 236792, HP:0040144.

gnomAD v4.1: 3 of 1,579,028 alleles (0.00019%); highest among the groups gnomAD compares: East Asian, 0.0023%; no homozygotes.

Submission:

Labcorp Genetics (formerly Invitae), Labcorp
Classification: Uncertain significance for L-2-hydroxyglutaric aciduria. Last evaluated: 2024-02-24. Review status: criteria provided, single submitter. Criteria: Invitae Variant Classification Sherloc (09022015). Collection method: clinical testing. Allele origin: germline.
Comment: This sequence change replaces glycine, which is neutral and non-polar, with serine, which is neutral and polar, at codon 40 of the L2HGDH protein (p.Gly40Ser). This variant is not present in population databases (gnomAD no frequency). This variant has not been reported in the literature in individuals affected with L2HGDH-related conditions. ClinVar contains an entry for this variant (Variation ID: 2186987). Algorithms developed to predict the effect of missense changes on protein structure and function output the following: SIFT: "Not Available"; PolyPhen-2: "Benign"; Align-GVGD: "Not Available". The serine amino acid residue is found in multiple mammalian species, which suggests that this missense change does not adversely affect protein function. In summary, the available evidence is currently insufficient to determine the role of this variant in disease. Therefore, it has been classified as a Variant of Uncertain Significance.

NM_024884.3(L2HGDH):c.118G>A (p.Gly40Ser)

Genes: DMAC2L (distal membrane arm assembly component 2 like; plus strand), L2HGDH (L-2-hydroxyglutarate dehydrogenase; minus strand). Cytogenetic location: 14q21.3.
Variant type: single nucleotide variant.
Coding change: c.118G>A on transcript NM_024884.3 (MANE Select); coding-DNA position 118, G replaced by A.
Protein change: p.Gly40Ser; replaces glycine 40 with serine.
Molecular consequence: missense variant. On other transcripts: 5 prime UTR variant (6), intron variant (1).
Genome position (GRCh38, 1-based): chr14:50,312,033, C>T on the plus strand (G>A on the coding strand, the complement: L2HGDH is on the minus strand). VCF-style: chr14-50312033-C-T. GRCh37 (hg19) VCF-style: chr14-50778751-C-T.
Other names: c.118G>A, p.Gly40Ser (NM_001425212.1); c.-137G>A (NM_001425213.1, NM_001425214.1); c.-651G>A (NM_001425215.1); c.-493G>A (NM_001425216.1); c.-586G>A (NM_001425217.1); c.-508G>A (NM_001425218.1); c.-6+179C>T (NM_001382509.1); short protein forms G40S.
Identifiers: ClinVar variation 2186987 (VCV002186987.3), dbSNP rs1184011271, ClinGen allele CA389648741.